The following is an entry in ClinVar:

NM_020919.4(ALS2):c.1921C>T (p.Gln641Ter)

Gene: ALS2 (alsin Rho guanine nucleotide exchange factor ALS2; minus strand). Cytogenetic location: 2q33.1.
Variant type: single nucleotide variant.
Coding change: c.1921C>T on transcript NM_020919.4 (MANE Select); coding-DNA position 1921, C replaced by T.
Protein change: p.Gln641Ter; replaces glutamine 641 with a stop codon.
Molecular consequence: nonsense.
Genome position (GRCh38, 1-based): chr2:201,746,643, G>A on the plus strand (C>T on the coding strand, the complement: ALS2 is on the minus strand). VCF-style: chr2-201746643-G-A. GRCh37 (hg19) VCF-style: chr2-202611366-G-A.
Other names: short protein forms Q641*.
Identifiers: ClinVar variation 533744 (VCV000533744.6), dbSNP rs1553511680, ClinGen allele CA350325443.

ClinVar aggregate classification (germline): Pathogenic (1 of 4 stars; one submission).

Conditions:
Infantile-onset ascending hereditary spastic paralysis (IAHSP). Also called: Infantile-Onset Ascending Hereditary Spastic Paralysis (IAHSP); Autosomal Recessive Juvenile Amyotrophic Lateral Sclerosis. Identifiers: Orphanet 293168, MedGen C2931441, MONDO:0011797, OMIM 607225. Disease mechanism: loss of function.

Submission:

Labcorp Genetics (formerly Invitae), Labcorp
Classification: Pathogenic for Infantile-onset ascending hereditary spastic paralysis. Last evaluated: 2023-03-28. Review status: criteria provided, single submitter. Criteria: Invitae Variant Classification Sherloc (09022015). Collection method: clinical testing. Allele origin: germline.
Comment: This sequence change creates a premature translational stop signal (p.Gln641*) in the ALS2 gene. It is expected to result in an absent or disrupted protein product. Loss-of-function variants in ALS2 are known to be pathogenic (PMID: 11586298, 24315819). This variant is not present in population databases (gnomAD no frequency). This variant has not been reported in the literature in individuals affected with ALS2-related conditions. ClinVar contains an entry for this variant (Variation ID: 533744). Algorithms developed to predict the effect of sequence changes on RNA splicing suggest that this variant may disrupt the consensus splice site. For these reasons, this variant has been classified as Pathogenic.

Literature cited by the submitters: PubMed 11586298; PubMed 24315819.